The following is an entry in ClinVar:

NM_005629.4(SLC6A8):c.1450_1463del (p.Trp485fs)

Gene: SLC6A8 (solute carrier family 6 member 8; plus strand). Cytogenetic location: Xq28.
Variant type: Deletion.
Coding change: c.1450_1463del on transcript NM_005629.4 (MANE Select); coding-DNA positions 1450 to 1463, 14 bases deleted (CTCTGGCAGGCCTT).
Protein change: p.Trp485fs; shifts the reading frame from tryptophan 485.
Molecular consequence: frameshift variant.
Genome position (GRCh38, 1-based): chrX:153,694,401-153,694,414, CTCTGGCAGGCCTT deleted. VCF-style (leftmost placement, unchanged base first): chrX-153694400-GCTCTGGCAGGCCTT-G. GRCh37 (hg19) VCF-style: chrX-152959855-GCTCTGGCAGGCCTT-G.
Other names: c.1420_1433del, p.Trp475fs (NM_001142805.2); c.1105_1118del, p.Trp370fs (NM_001142806.1); short protein forms W370fs, W475fs, W485fs.
Identifiers: ClinVar variation 4854152 (VCV004854152.1).

ClinVar aggregate classification (germline): Likely pathogenic (1 of 4 stars; one submission).

Conditions:
Creatine transporter deficiency (CCDS1). Also called: Mental retardation , X-linked with seizures, short stature and midface hypoplasia; Mental retardation , X-linked, with creatine transport deficiency; X-linked creatine transporter deficiency; X-linked creatine deficiency syndrome; SLC6A8-Related Creatine Transporter Deficiency; CREATINE TRANSPORTER DEFECT. Identifiers: Orphanet 52503, MedGen C1845862, MONDO:0010305, OMIM 300352.

Submission:

3billion
Classification: Likely pathogenic for Creatine transporter deficiency. Last evaluated: 2026-01-06. Review status: criteria provided, single submitter. Criteria: ACMG Guidelines, 2015. Collection method: clinical testing. Allele origin: germline. Affected: yes.
Comment: The variant is not observed in the gnomAD v4.1.0 dataset. Predicted Consequence/Location: Frameshift: predicted to result in a loss or disruption of normal protein function through nonsense-mediated decay (NMD) or protein truncation. Multiple pathogenic variants are reported downstream of the variant. Therefore, this variant is classified as Likely pathogenic according to the recommendation of ACMG/AMP guideline.